The following is an entry in ClinVar:

ClinVar aggregate classification (germline): Likely benign. Review status: criteria provided, multiple submitters, no conflicts (2 of 4 stars). 2 submissions from 2 submitters: Likely benign (2). Last evaluated 2025-07-23.

Submissions (2):

Mayo Clinic Laboratories, Mayo Clinic
Classification: Likely benign. Last evaluated: 2025-07-23. Review status: criteria provided, single submitter. Criteria: ACMG Guidelines, 2015. Collection method: clinical testing. Allele origin: germline. Observed: 1 variant allele.
Comment: BP4, BP7

Labcorp Genetics (formerly Invitae), Labcorp
Classification: Likely benign. Last evaluated: 2025-03-27. Review status: criteria provided, single submitter. Criteria: Invitae Variant Classification Sherloc (09022015). Collection method: clinical testing. Allele origin: germline.

NM_001136191.3(KANK2):c.2076C>T (p.Cys692=)

Gene: KANK2 (KN motif and ankyrin repeat domains 2; minus strand). Cytogenetic location: 19p13.2.
Variant type: single nucleotide variant.
Coding change: c.2076C>T on transcript NM_001136191.3 (MANE Select); coding-DNA position 2076, C replaced by T.
Protein change: p.Cys692=; no amino-acid change (cysteine 692 retained).
Molecular consequence: synonymous variant.
Genome position (GRCh38, 1-based): chr19:11,173,116, G>A on the plus strand (C>T on the coding strand, the complement: KANK2 is on the minus strand). VCF-style: chr19-11173116-G-A. GRCh37 (hg19) VCF-style: chr19-11283792-G-A.
Other names: p.Cys692=; c.2076C>T, p.Cys692= (NM_001329451.2, NM_001379555.1, NM_001379556.1 and 7 more transcripts); c.2100C>T, p.Cys700= (NM_001379548.1, NM_001379549.1, NM_001379550.1 and 5 more transcripts).
Identifiers: ClinVar variation 4684309 (VCV004684309.2).